The following is an entry in ClinVar:

NM_021926.4(ALX4):c.1182G>A (p.Ala394=)

Gene: ALX4 (ALX homeobox 4; minus strand). Cytogenetic location: 11p11.2.
Variant type: single nucleotide variant.
Coding change: c.1182G>A on transcript NM_021926.4 (MANE Select); coding-DNA position 1182, G replaced by A.
Protein change: p.Ala394=; no amino-acid change (alanine 394 retained).
Molecular consequence: synonymous variant.
Genome position (GRCh38, 1-based): chr11:44,264,908, C>T on the plus strand (G>A on the coding strand, the complement: ALX4 is on the minus strand). VCF-style: chr11-44264908-C-T. GRCh37 (hg19) VCF-style: chr11-44286458-C-T.
Identifiers: ClinVar variation 721962 (VCV000721962.14), dbSNP rs149365713, ClinGen allele CA5955501.
Genomic context (GRCh38, chr11:44,264,908, plus strand): 5'-GCCCTGTCATGTGGCCCAGGAAATGGCCGCACTGTGCTCCTTGGCCTTCATGCGGAGGGC[C>T]GCGATGCTCGAGGTCTTGCGGTCCGGCTCGCCGTTGAGCTCGTAGCCATTGAGGCCTGGG-3'
Protein context (NP_068745.2, residues 384-404): GEPDRKTSSI[Ala394=]ALRMKAKEHS

ClinVar aggregate classification (germline): Likely benign. Review status: criteria provided, multiple submitters, no conflicts (2 of 4 stars). 5 submissions from 5 submitters: Likely benign (5). Last evaluated 2026-08-01.

Conditions:
Parietal foramina 2 (PFM2). Identifiers: Orphanet 60015, MedGen C1865044, MONDO:0012309, OMIM 609597.

Allele frequency attached by ClinVar (database versions not stated): gnomAD exomes 0.00027 and 0.00043; gnomAD 0.00031 and 0.00033; ExAC 0.00035; ESP Exome Variant Server 0.00038; TOPMed 0.00040; 1000 Genomes Project 30x 0.00047; 1000 Genomes Project 0.00060.
gnomAD v4.1: 472 of 1,613,012 alleles (0.029%); highest among the groups gnomAD compares: Middle Eastern, 0.53%; 1 homozygote.

Submissions (5):

CeGaT Center for Human Genetics Tuebingen
Classification: Likely benign. Last evaluated: 2026-08-01. Review status: criteria provided, single submitter. Criteria: CeGaT Center For Human Genetics Tuebingen Variant Classification Criteria Version 2. Collection method: clinical testing. Allele origin: germline. Affected: yes. Observed: 1 variant allele.
Comment: ALX4: BP4, BP7

Labcorp Genetics (formerly Invitae), Labcorp
Classification: Likely benign. Last evaluated: 2024-11-21. Review status: criteria provided, single submitter. Criteria: Invitae Variant Classification Sherloc (09022015). Collection method: clinical testing. Allele origin: germline.

Blueprint Genetics
Classification: Likely benign. Last evaluated: 2024-11-08. Review status: criteria provided, single submitter. Criteria: ACMG Guidelines, 2015. Collection method: clinical testing. Allele origin: germline.

Illumina Laboratory Services, Illumina
Classification: Likely benign for Parietal foramina 2. Last evaluated: 2018-01-13. Review status: criteria provided, single submitter. Criteria: ICSL Variant Classification Criteria 13 December 2019. Collection method: clinical testing. Allele origin: germline.
Comment: This variant was observed in the ICSL laboratory as part of a predisposition screen in an ostensibly healthy population. It had not been previously curated by ICSL or reported in the Human Gene Mutation Database (HGMD: prior to June 1st, 2018), and was therefore a candidate for classification through an automated scoring system. Utilizing variant allele frequency, disease prevalence and penetrance estimates, and inheritance mode, an automated score was calculated to assess if this variant is too frequent to cause the disease. Based on the score and internal cut-off values, a variant classified as likely benign is not then subjected to further curation. The score for this variant resulted in a classification of likely benign for this disease.

Breakthrough Genomics
Classification: Likely benign. Review status: criteria provided, single submitter. Criteria: ACMG Guidelines, 2015. Collection method: not provided. Allele origin: germline. Inheritance: Autosomal recessive inheritance. Affected: yes.